The following is an entry in ClinVar:

NM_003835.4(RGS9):c.453G>A (p.Met151Ile)

Gene: RGS9 (regulator of G protein signaling 9; plus strand). Cytogenetic location: 17q24.1.
Variant type: single nucleotide variant.
Coding change: c.453G>A on transcript NM_003835.4 (MANE Select); coding-DNA position 453, G replaced by A.
Protein change: p.Met151Ile; replaces methionine 151 with isoleucine.
Molecular consequence: missense variant.
Genome position (GRCh38, 1-based): chr17:65,163,042, G>A. VCF-style: chr17-65163042-G-A. GRCh37 (hg19) VCF-style: chr17-63159160-G-A.
Other names: c.453G>A, p.Met151Ile (NM_001081955.3, NM_001165933.2); short protein forms M151I.
Identifiers: ClinVar variation 1053740 (VCV001053740.9), dbSNP rs779150943, ClinGen allele CA400665277.
Genomic context (GRCh38, chr17:65,163,042, plus strand): 5'-TTTCTGTTCTCATTTTGTTTTTCTTCTTTAGGAAAATTACAATTTCTTGAACCAAAAAAT[G>A]AACTATAAGTGGGACTTTGTCATTATGCAGGCCAAAGAGCAGTACAGGTGAGTGAAAGGA-3'
Protein context (NP_003826.2, residues 141-161): KENYNFLNQK[Met151Ile]NYKWDFVIMQ

ClinVar aggregate classification (germline): Uncertain significance (1 of 4 stars; one submission).

Allele frequency attached by ClinVar (database versions not stated): gnomAD exomes below 0.00001.

Submission:

Labcorp Genetics (formerly Invitae), Labcorp
Classification: Uncertain significance. Last evaluated: 2023-05-08. Review status: criteria provided, single submitter. Criteria: Invitae Variant Classification Sherloc (09022015). Collection method: clinical testing. Allele origin: germline.
Comment: In summary, the available evidence is currently insufficient to determine the role of this variant in disease. Therefore, it has been classified as a Variant of Uncertain Significance. Algorithms developed to predict the effect of sequence changes on RNA splicing suggest that this variant may disrupt the consensus splice site. Advanced modeling of protein sequence and biophysical properties (such as structural, functional, and spatial information, amino acid conservation, physicochemical variation, residue mobility, and thermodynamic stability) performed at Invitae indicates that this missense variant is not expected to disrupt RGS9 protein function. ClinVar contains an entry for this variant (Variation ID: 1053740). This variant has not been reported in the literature in individuals affected with RGS9-related conditions. The frequency data for this variant in the population databases is considered unreliable, as metrics indicate poor data quality at this position in the gnomAD database. This sequence change replaces methionine, which is neutral and non-polar, with isoleucine, which is neutral and non-polar, at codon 151 of the RGS9 protein (p.Met151Ile).